The following is an entry in ClinVar:

NM_002292.4(LAMB2):c.5026G>A (p.Gly1676Arg)

Gene: LAMB2 (laminin subunit beta 2; minus strand). Cytogenetic location: 3p21.31.
Variant type: single nucleotide variant.
Coding change: c.5026G>A on transcript NM_002292.4 (MANE Select); coding-DNA position 5026, G replaced by A.
Protein change: p.Gly1676Arg; replaces glycine 1676 with arginine.
Molecular consequence: missense variant.
Genome position (GRCh38, 1-based): chr3:49,121,758, C>T on the plus strand (G>A on the coding strand, the complement: LAMB2 is on the minus strand). VCF-style: chr3-49121758-C-T. GRCh37 (hg19) VCF-style: chr3-49159191-C-T.
Other names: short protein forms G1676R.
Identifiers: ClinVar variation 345975 (VCV000345975.10), dbSNP rs200747448, ClinGen allele CA2393626.

ClinVar aggregate classification (germline): Benign/Likely benign. Review status: criteria provided, multiple submitters, no conflicts (2 of 4 stars). 5 submissions from 4 submitters: Benign (3); Likely benign (1). 1 of the submissions does not count toward it. Last evaluated 2019-12-31.

Conditions:
LAMB2-related infantile-onset nephrotic syndrome. Also called: NEPHROTIC SYNDROME, TYPE 5, WITHOUT OCULAR ABNORMALITIES; NEPHROTIC SYNDROME, TYPE 5, WITH OCULAR ABNORMALITIES; Nephrotic Syndrome, type 5. Identifiers: Orphanet 306507, MedGen C3280113, MONDO:0013621, OMIM 614199.
Pierson syndrome. Also called: MICROCORIA-CONGENITAL NEPHROTIC SYNDROME. Identifiers: Orphanet 2670, MedGen C1836876, MONDO:0012184, OMIM 609049.

Allele frequency attached by ClinVar (database versions not stated): gnomAD 0.00002 and 0.00042; TOPMed 0.00006; ESP Exome Variant Server 0.00008; gnomAD exomes 0.00074 and 0.00145; ExAC 0.00166; 1000 Genomes Project 30x 0.00375; 1000 Genomes Project 0.00459.
gnomAD v4.1: 1,146 of 1,613,744 alleles (0.071%); highest among the groups gnomAD compares: South Asian, 1.2%; 14 homozygotes.

Submissions (5):

Labcorp Genetics (formerly Invitae), Labcorp
Classification: Benign for Nephrotic syndrome, type 5, with or without ocular abnormalities; Pierson syndrome. Last evaluated: 2019-12-31. Review status: criteria provided, single submitter. Criteria: Invitae Variant Classification Sherloc (09022015). Collection method: clinical testing. Allele origin: germline.

Illumina Laboratory Services, Illumina
Classification: Benign for Pierson syndrome. Last evaluated: 2018-01-12. Review status: criteria provided, single submitter. Criteria: ICSL Variant Classification Criteria 13 December 2019. Collection method: clinical testing. Allele origin: germline.
Comment: This variant was observed in the ICSL laboratory as part of a predisposition screen in an ostensibly healthy population. It had not been previously curated by ICSL or reported in the Human Gene Mutation Database (HGMD: prior to June 1st, 2018), and was therefore a candidate for classification through an automated scoring system. Utilizing variant allele frequency, disease prevalence and penetrance estimates, and inheritance mode, an automated score was calculated to assess if this variant is too frequent to cause the disease. Based on the score and internal cut-off values, a variant classified as benign is not then subjected to further curation. The score for this variant resulted in a classification of benign for this disease.

Illumina Laboratory Services, Illumina
Classification: Benign for LAMB2-related infantile-onset nephrotic syndrome. Last evaluated: 2018-01-12. Review status: criteria provided, single submitter. Criteria: ICSL Variant Classification Criteria 13 December 2019. Collection method: clinical testing. Allele origin: germline.
Comment: the same text as in the submission from Illumina Laboratory Services, Illumina above.

Athena Diagnostics
Classification: Likely benign. Last evaluated: 2017-01-31. Review status: criteria provided, single submitter. Criteria: Athena Diagnostics Criteria. Collection method: clinical testing. Allele origin: germline.

Bioscientia Institut fuer Medizinische Diagnostik GmbH, Sonic Healthcare
Classification: Benign for LAMB2-related infantile-onset nephrotic syndrome. Last evaluated: 2019-04-30. Review status: no assertion criteria provided. Collection method: clinical testing. Allele origin: germline. Affected: yes. Not counted in ClinVar's aggregate classification.

Literature cited by the submitters: PubMed 23349334 (cited by Athena Diagnostics).